The following is an entry in ClinVar:

NM_025132.4(WDR19):c.3250G>A (p.Gly1084Ser)

Gene: WDR19 (WD repeat domain 19; plus strand). Cytogenetic location: 4p14.
Variant type: single nucleotide variant.
Coding change: c.3250G>A on transcript NM_025132.4 (MANE Select); coding-DNA position 3250, G replaced by A.
Protein change: p.Gly1084Ser; replaces glycine 1084 with serine.
Molecular consequence: missense variant.
Genome position (GRCh38, 1-based): chr4:39,266,129, G>A. VCF-style: chr4-39266129-G-A. GRCh37 (hg19) VCF-style: chr4-39267749-G-A.
Other names: c.2770G>A, p.Gly924Ser (NM_001317924.2); short protein forms G1084S, G924S.
Identifiers: ClinVar variation 261863 (VCV000261863.24), dbSNP rs16995209, ClinGen allele CA2892304.

ClinVar aggregate classification (germline): Benign. Review status: criteria provided, multiple submitters, no conflicts (2 of 4 stars). 15 submissions from 11 submitters: Benign (12). 3 of the submissions do not count toward it. Last evaluated 2026-02-02.

Conditions:
Senior-Loken syndrome 8 (SLSN8). Identifiers: Orphanet 3156, MedGen C4225376, MONDO:0014579, OMIM 616307.
Asphyxiating thoracic dystrophy 5 (SRTD5). Also called: SHORT-RIB THORACIC DYSPLASIA 5 WITHOUT POLYDACTYLY; SHORT-RIB THORACIC DYSPLASIA 5 WITH OR WITHOUT POLYDACTYLY. Identifiers: Orphanet 474, MedGen C3280598, MONDO:0013717, OMIM 614376.
Connective tissue disorder. Also called: Connective tissue disease. Identifiers: MedGen C0009782, MONDO:0003900.
Cranioectodermal dysplasia 4 (CED4). Identifiers: Orphanet 1515, MedGen C3280616, MONDO:0013719, OMIM 614378.
Nephronophthisis 13 (NPHP13). Identifiers: Orphanet 655, MedGen C3280612, MONDO:0013718, OMIM 614377.

Allele frequency attached by ClinVar (database versions not stated): gnomAD exomes 0.00318 and 0.00778; ExAC 0.01699; gnomAD 0.03324 and 0.03548; ESP Exome Variant Server 0.03405; 1000 Genomes Project 0.03694; TOPMed 0.03764; 1000 Genomes Project 30x 0.04185.
gnomAD v4.1: 9,726 of 1,562,844 alleles (0.62%); highest among the groups gnomAD compares: African/African-American, 11%; 496 homozygotes.

Submissions (15):

Labcorp Genetics (formerly Invitae), Labcorp
Classification: Benign for Senior-Loken syndrome 8; Asphyxiating thoracic dystrophy 5. Last evaluated: 2026-02-02. Review status: criteria provided, single submitter. Criteria: Invitae Variant Classification Sherloc (09022015). Collection method: clinical testing. Allele origin: germline.

Mayo Clinic Laboratories, Mayo Clinic
Classification: Benign. Last evaluated: 2022-11-14. Review status: criteria provided, single submitter. Criteria: ACMG Guidelines, 2015. Collection method: clinical testing. Allele origin: germline. Observed: 14 variant alleles.

Genome Diagnostics Laboratory, The Hospital for Sick Children
Classification: Benign for Connective tissue disorder. Last evaluated: 2022-04-22. Review status: criteria provided, single submitter. Criteria: ACMG Guidelines, 2015. Collection method: clinical testing. Allele origin: germline.

Genome-Nilou Lab
Classification: Benign for Cranioectodermal dysplasia 4. Last evaluated: 2021-12-05. Review status: criteria provided, single submitter. Criteria: ACMG Guidelines, 2015. Collection method: clinical testing. Allele origin: germline. Affected: no.

Genome-Nilou Lab
Classification: Benign for Nephronophthisis 13. Last evaluated: 2021-12-05. Review status: criteria provided, single submitter. Criteria: ACMG Guidelines, 2015. Collection method: clinical testing. Allele origin: germline. Affected: no.

Genome-Nilou Lab
Classification: Benign for Senior-Loken syndrome 8. Last evaluated: 2021-12-05. Review status: criteria provided, single submitter. Criteria: ACMG Guidelines, 2015. Collection method: clinical testing. Allele origin: germline. Affected: no.

Genome-Nilou Lab
Classification: Benign for Asphyxiating thoracic dystrophy 5. Last evaluated: 2021-12-05. Review status: criteria provided, single submitter. Criteria: ACMG Guidelines, 2015. Collection method: clinical testing. Allele origin: germline. Affected: no.

GeneDx
Classification: Benign. Last evaluated: 2021-05-05. Review status: criteria provided, single submitter. Criteria: GeneDx Variant Classification Process June 2021. Collection method: clinical testing. Allele origin: germline. Affected: yes.

Illumina Laboratory Services, Illumina
Classification: Benign for Asphyxiating thoracic dystrophy 5. Last evaluated: 2018-01-12. Review status: criteria provided, single submitter. Criteria: ICSL Variant Classification Criteria 13 December 2019. Collection method: clinical testing. Allele origin: germline.
Comment: This variant was observed in the ICSL laboratory as part of a predisposition screen in an ostensibly healthy population. It had not been previously curated by ICSL or reported in the Human Gene Mutation Database (HGMD: prior to June 1st, 2018), and was therefore a candidate for classification through an automated scoring system. Utilizing variant allele frequency, disease prevalence and penetrance estimates, and inheritance mode, an automated score was calculated to assess if this variant is too frequent to cause the disease. Based on the score and internal cut-off values, a variant classified as benign is not then subjected to further curation. The score for this variant resulted in a classification of benign for this disease.

Illumina Laboratory Services, Illumina
Classification: Benign for Cranioectodermal dysplasia 4. Last evaluated: 2018-01-12. Review status: criteria provided, single submitter. Criteria: ICSL Variant Classification Criteria 13 December 2019. Collection method: clinical testing. Allele origin: germline.
Comment: the same text as in the submission from Illumina Laboratory Services, Illumina above.

Breakthrough Genomics
Classification: Benign. Review status: criteria provided, single submitter. Criteria: ACMG Guidelines, 2015. Collection method: not provided. Allele origin: germline. Inheritance: Autosomal recessive inheritance. Affected: yes.

PreventionGenetics, part of Exact Sciences
Classification: Benign. Review status: criteria provided, single submitter. Criteria: ACMG Guidelines, 2015. Collection method: clinical testing. Allele origin: germline.

Clinical Genetics DNA and cytogenetics Diagnostics Lab, Erasmus MC, Erasmus Medical Center
Classification: Benign. Review status: no assertion criteria provided. Collection method: clinical testing. Allele origin: germline. Affected: yes. Study: VKGL Data-share Consensus. Not counted in ClinVar's aggregate classification.

Genome Diagnostics Laboratory, University Medical Center Utrecht
Classification: Benign. Review status: no assertion criteria provided. Collection method: clinical testing. Allele origin: germline. Affected: yes. Study: VKGL Data-share Consensus. Not counted in ClinVar's aggregate classification.

Laboratory of Diagnostic Genome Analysis, Leiden University Medical Center (LUMC)
Classification: Likely benign. Review status: no assertion criteria provided. Collection method: clinical testing. Allele origin: germline. Affected: yes. Study: VKGL Data-share Consensus. Not counted in ClinVar's aggregate classification.